The following is an entry in ClinVar:

NM_001211.6(BUB1B):c.2179C>T (p.Arg727Cys)

Gene: BUB1B (BUB1 mitotic checkpoint serine/threonine kinase B; plus strand). Cytogenetic location: 15q15.1.
Variant type: single nucleotide variant.
Coding change: c.2179C>T on transcript NM_001211.6 (MANE Select); coding-DNA position 2179, C replaced by T.
Protein change: p.Arg727Cys; replaces arginine 727 with cysteine.
Molecular consequence: missense variant.
Genome position (GRCh38, 1-based): chr15:40,209,670, C>T. VCF-style: chr15-40209670-C-T. GRCh37 (hg19) VCF-style: chr15-40501871-C-T.
Other names: short protein forms R727C.
Identifiers: ClinVar variation 465366 (VCV000465366.51), dbSNP rs577591919, ClinGen allele CA7475980.

ClinVar aggregate classification (germline): Uncertain significance. Review status: criteria provided, multiple submitters, no conflicts (2 of 4 stars). 2 submissions from 2 submitters: Uncertain significance (2). Last evaluated 2025-06-15.

Conditions:
Inborn genetic diseases. Identifiers: MedGen C0950123, MeSH D030342.
Mosaic variegated aneuploidy syndrome 1 (MVA1). Also called: Warburton-Anyane-Yeboa syndrome. Identifiers: Orphanet 1052, MedGen C1850343, MONDO:0009759, OMIM 257300.

Allele frequency attached by ClinVar (database versions not stated): gnomAD exomes 0.00027 and 0.00013; ExAC 0.00030; 1000 Genomes Project 30x 0.00031; 1000 Genomes Project 0.00040; gnomAD below 0.00001 and 0.00005; TOPMed 0.00001.
gnomAD v4.1: 191 of 1,614,082 alleles (0.012%); highest among the groups gnomAD compares: South Asian, 0.2%; 1 homozygote.

Submissions (2):

Labcorp Genetics (formerly Invitae), Labcorp
Classification: Uncertain significance for Mosaic variegated aneuploidy syndrome 1. Last evaluated: 2025-06-15. Review status: criteria provided, single submitter. Criteria: Invitae Variant Classification Sherloc (09022015). Collection method: clinical testing. Allele origin: germline.
Comment: This sequence change replaces arginine, which is basic and polar, with cysteine, which is neutral and slightly polar, at codon 727 of the BUB1B protein (p.Arg727Cys). This variant is present in population databases (rs577591919, gnomAD 0.2%), including at least one homozygous and/or hemizygous individual. This missense change has been observed in individual(s) with cancer susceptible disorder mosaic variegated aneuploidy (MVA) (PMID: 20516114). In at least one individual the data is consistent with being in trans (on the opposite chromosome) from a pathogenic variant. ClinVar contains an entry for this variant (Variation ID: 465366). An algorithm developed to predict the effect of missense changes on protein structure and function (PolyPhen-2) suggests that this variant is likely to be tolerated. Experimental studies have shown that this missense change affects BUB1B function (PMID: 20516114, 25502805). In summary, the available evidence is currently insufficient to determine the role of this variant in disease. Therefore, it has been classified as a Variant of Uncertain Significance.

Ambry Genetics
Classification: Uncertain significance for Inborn genetic diseases. Last evaluated: 2021-03-24. Review status: criteria provided, single submitter. Criteria: Ambry Variant Classification Scheme 2023. Collection method: clinical testing. Allele origin: germline.
Comment: The c.2179C>T (p.R727C) alteration is located in exon 17 (coding exon 17) of the BUB1B gene. This alteration results from a C to T substitution at nucleotide position 2179, causing the arginine (R) at amino acid position 727 to be replaced by a cysteine (C). The in silico prediction for the p.R727C alteration is inconclusive. Based on insufficient or conflicting evidence, the clinical significance of this alteration remains unclear.

Literature cited by the submitters: PubMed 20516114 (cited by Labcorp Genetics (formerly Invitae), Labcorp); PubMed 25502805 (cited by Labcorp Genetics (formerly Invitae), Labcorp).